The following is an entry in ClinVar:

ClinVar aggregate classification (germline): Uncertain significance (1 of 4 stars; one submission).

Conditions:
Cone-rod dystrophy 6 (CORD6). Also called: Cone dystrophy progressive; RETINAL CONE DYSTROPHY 2. Identifiers: Orphanet 1872, MedGen C1866293, MONDO:0011143, OMIM 601777.
Leber congenital amaurosis 1 (LCA1). Also called: RETINAL BLINDNESS, CONGENITAL; AMAUROSIS CONGENITA OF LEBER I; Congenital absence of the rods and cones; Leber's congenital tapetoretinal degeneration; Leber's congenital tapetoretinal dysplasia. Identifiers: Orphanet 65, MedGen C2931258, MONDO:0008764, OMIM 204000.

Allele frequency attached by ClinVar (database versions not stated): gnomAD 0.00001.
gnomAD v4.1: 2 of 1,613,786 alleles (0.00012%); highest among the groups gnomAD compares: African/African-American, 0.0013%; no homozygotes.

Submission:

Labcorp Genetics (formerly Invitae), Labcorp
Classification: Uncertain significance for Leber congenital amaurosis 1; Cone-rod dystrophy 6. Last evaluated: 2022-02-08. Review status: criteria provided, single submitter. Criteria: Invitae Variant Classification Sherloc (09022015). Collection method: clinical testing. Allele origin: germline.
Comment: This sequence change replaces glutamine, which is neutral and polar, with histidine, which is basic and polar, at codon 569 of the GUCY2D protein (p.Gln569His). This variant is not present in population databases (gnomAD no frequency). This variant has not been reported in the literature in individuals affected with GUCY2D-related conditions. ClinVar contains an entry for this variant (Variation ID: 1002356). Algorithms developed to predict the effect of missense changes on protein structure and function output the following: SIFT: "Tolerated"; PolyPhen-2: "Benign"; Align-GVGD: "Class C0". The histidine amino acid residue is found in multiple mammalian species, which suggests that this missense change does not adversely affect protein function. In summary, the available evidence is currently insufficient to determine the role of this variant in disease. Therefore, it has been classified as a Variant of Uncertain Significance.

NM_000180.4(GUCY2D):c.1707G>T (p.Gln569His)

Gene: GUCY2D (guanylate cyclase 2D, retinal; plus strand). Cytogenetic location: 17p13.1.
Variant type: single nucleotide variant.
Coding change: c.1707G>T on transcript NM_000180.4 (MANE Select); coding-DNA position 1707, G replaced by T.
Protein change: p.Gln569His; replaces glutamine 569 with histidine.
Molecular consequence: missense variant.
Genome position (GRCh38, 1-based): chr17:8,009,544, G>T. VCF-style: chr17-8009544-G-T. GRCh37 (hg19) VCF-style: chr17-7912862-G-T.
Other names: short protein forms Q569H.
Identifiers: ClinVar variation 1002356 (VCV001002356.7), dbSNP rs568220391, ClinGen allele CA397950509.